The following is an entry in ClinVar:

ClinVar aggregate classification (germline): Likely benign. Review status: criteria provided, multiple submitters, no conflicts (2 of 4 stars). 2 submissions from 2 submitters: Likely benign (2). Last evaluated 2025-12-17.

Allele frequency attached by ClinVar (database versions not stated): gnomAD 0.00004; gnomAD exomes 0.00006 and 0.00009; ExAC 0.00010.
gnomAD v4.1: 138 of 1,597,582 alleles (0.0086%); highest among the groups gnomAD compares: East Asian, 0.034%; no homozygotes.

Submissions (2):

Labcorp Genetics (formerly Invitae), Labcorp
Classification: Likely benign. Last evaluated: 2025-12-17. Review status: criteria provided, single submitter. Criteria: Invitae Variant Classification Sherloc (09022015). Collection method: clinical testing. Allele origin: germline.

CeGaT Center for Human Genetics Tuebingen
Classification: Likely benign. Last evaluated: 2023-03-01. Review status: criteria provided, single submitter. Criteria: CeGaT Center For Human Genetics Tuebingen Variant Classification Criteria Version 2. Collection method: clinical testing. Allele origin: germline. Affected: yes. Observed: 1 variant allele.
Comment: MICAL1: BP4, BP7

NM_022765.4(MICAL1):c.2514C>T (p.Ser838=)

Gene: MICAL1 (microtubule associated monooxygenase, calponin and LIM domain containing 1; minus strand). Cytogenetic location: 6q21.
Variant type: single nucleotide variant.
Coding change: c.2514C>T on transcript NM_022765.4 (MANE Select); coding-DNA position 2514, C replaced by T.
Protein change: p.Ser838=; no amino-acid change (serine 838 retained).
Molecular consequence: synonymous variant.
Genome position (GRCh38, 1-based): chr6:109,446,203, G>A on the plus strand (C>T on the coding strand, the complement: MICAL1 is on the minus strand). VCF-style: chr6-109446203-G-A. GRCh37 (hg19) VCF-style: chr6-109767406-G-A.
Other names: c.2256C>T, p.Ser752= (NM_001159291.2); c.2571C>T, p.Ser857= (NM_001286613.2).
Identifiers: ClinVar variation 1530474 (VCV001530474.31), dbSNP rs770153820, ClinGen allele CA3952872.